The following is an entry in ClinVar:

NM_006079.5(CITED2):c.517_555dup (p.Gly185_Gly186insSerSerThrProGlyGlySerGlySerSerSerGlyGly)

Genes: CITED2 (Cbp/p300 interacting transactivator with Glu/Asp rich carboxy-terminal domain 2; minus strand), LOC129997307 (ATAC-STARR-seq lymphoblastoid silent region 17609; plus strand). Cytogenetic location: 6q24.1.
Variant type: Duplication.
Coding change: c.517_555dup on transcript NM_006079.5 (MANE Select); coding-DNA positions 517 to 555, 39 bases duplicated.
Protein change: p.Gly185_Gly186insSerSerThrProGlyGlySerGlySerSerSerGlyGly.
Molecular consequence: inframe insertion.
Genome position (GRCh38, 1-based): chr6:139,373,390-139,373,428, 39 bases duplicated; duplicating any 39 consecutive bases within chr6:139,373,390-139,373,439 gives the same sequence; the c. name uses the placement nearest the transcript's 3' end. GRCh37 (hg19): chr6:139,694,538-139,694,576.
Other names: c.517_555dup, p.Gly185_Gly186insSerSerThrProGlyGlySerGlySerSerSerGlyGly (NM_001168388.3); c.532_570dup, p.Gly190_Gly191insSerSerThrProGlyGlySerGlySerSerSerGlyGly (NM_001168389.3).
Identifiers: ClinVar variation 2635092 (VCV002635092.1), dbSNP rs2482757608, ClinGen allele CA2695198363.

ClinVar aggregate classification (germline): Uncertain significance (1 of 4 stars; one submission).

Conditions:
CITED2-related disorder. Also called: CITED2-related condition.

Submission:

PreventionGenetics, part of Exact Sciences
Classification: Uncertain significance for CITED2-related condition. Last evaluated: 2022-10-24. Review status: criteria provided, single submitter. Criteria: ACMG Guidelines, 2015. Collection method: clinical testing. Allele origin: germline.
Comment: The CITED2 c.532_570dup39 variant is predicted to result in an in-frame duplication (p.Ser178_Gly190dup). To our knowledge, this variant has not been reported in the literature or in a large population database, indicating this variant is rare. At this time, the clinical significance of this variant is uncertain due to the absence of conclusive functional and genetic evidence.